The following is an entry in ClinVar:

NM_001267550.2(TTN):c.29960T>A (p.Ile9987Asn)

Gene: TTN (titin; minus strand). Cytogenetic location: 2q31.2.
Variant type: single nucleotide variant.
Coding change: c.29960T>A on transcript NM_001267550.2 (MANE Select); coding-DNA position 29960, T replaced by A.
Protein change: p.Ile9987Asn; replaces isoleucine 9987 with asparagine.
Molecular consequence: missense variant. On other transcripts: intron variant (3).
Genome position (GRCh38, 1-based): chr2:178,704,512, A>T on the plus strand (T>A on the coding strand, the complement: TTN is on the minus strand). VCF-style: chr2-178704512-A-T. GRCh37 (hg19) VCF-style: chr2-179569239-A-T.
Other names: c.29009T>A, p.Ile9670Asn (NM_001256850.1); c.26228T>A, p.Ile8743Asn (NM_133378.4); c.13282+33570T>A (NM_003319.4); c.13858+33570T>A (NM_133437.4); c.13657+33570T>A (NM_133432.3); short protein forms I8743N, I9987N, I9670N.
Identifiers: ClinVar variation 263674 (VCV000263674.10), dbSNP rs376644553, ClinGen allele CA1999279.

ClinVar aggregate classification (germline): Conflicting classifications of pathogenicity. Review status: criteria provided, conflicting classifications (1 of 4 stars). 4 submissions from 4 submitters: Uncertain significance (2); Likely benign (2). Last evaluated 2026-05-05.

Conditions:
TTN-related disorder. Also called: TTN-related condition; TTN-related disease; TTN-related disorders.
Cardiovascular phenotype. Identifiers: MedGen CN230736.

Allele frequency attached by ClinVar (database versions not stated): ExAC 0.00001; gnomAD 0.00006 and 0.00008; ESP Exome Variant Server 0.00008; TOPMed 0.00010.
gnomAD v4.1: 17 of 1,603,260 alleles (0.0011%); highest among the groups gnomAD compares: African/African-American, 0.019%; no homozygotes.

Submissions (4):

PreventionGenetics, part of Exact Sciences
Classification: Uncertain significance for TTN-related condition. Last evaluated: 2026-05-05. Review status: criteria provided, single submitter. Criteria: ACMG Guidelines, 2015. Collection method: clinical testing. Allele origin: germline.
Comment: The TTN c.29960T>A variant is predicted to result in the amino acid substitution p.Ile9987Asn. To our knowledge, this variant has not been reported in the literature. This variant is reported in 0.033% of alleles in individuals of African descent in gnomAD. At this time, the clinical significance of this variant is uncertain due to the absence of conclusive functional and genetic evidence.

Revvity Omics, Revvity
Classification: Uncertain significance. Last evaluated: 2021-08-05. Review status: criteria provided, single submitter. Criteria: ACMG Guidelines, 2015. Collection method: clinical testing. Allele origin: germline.

GeneDx
Classification: Likely benign. Last evaluated: 2020-04-09. Review status: criteria provided, single submitter. Criteria: GeneDx Variant Classification Process June 2021. Collection method: clinical testing. Allele origin: germline. Affected: yes.

Ambry Genetics
Classification: Likely benign for Cardiovascular phenotype. Last evaluated: 2013-07-30. Review status: criteria provided, single submitter. Criteria: Ambry Autosomal Dominant and X-Linked criteria (10/2015). Collection method: clinical testing. Allele origin: germline. Observed: 1 variant allele.